The following is an entry in ClinVar:

NC_000023.11:g.(?_37780009)_(38421102_?)del

Genes: CYBB (cytochrome b-245 beta chain; plus strand), DYNLT3 (dynein light chain Tctex-type 3; minus strand), H2AP (H2A.P histone; plus strand), OTC (ornithine transcarbamylase; plus strand), RPGR (retinitis pigmentosa GTPase regulator; minus strand) and 2 more. Cytogenetic location: Xp11.4.
Variant type: Deletion.
Identifiers: ClinVar variation 833460 (VCV000833460.1).

ClinVar aggregate classification (germline): Pathogenic (1 of 4 stars; one submission).

Conditions:
Granulomatous disease, chronic, X-linked. Also called: CYTOCHROME b-NEGATIVE GRANULOMATOUS DISEASE, CHRONIC, X-LINKED; GRANULOMATOUS DISEASE, CHRONIC, X-LINKED, SOMATIC MOSAIC. Identifiers: Orphanet 379, MedGen C1844376, MONDO:0010600, OMIM 306400.

Submission:

Labcorp Genetics (formerly Invitae), Labcorp
Classification: Pathogenic for Chronic granulomatous disease, X-linked. Last evaluated: 2019-04-16. Review status: criteria provided, single submitter. Criteria: Invitae Variant Classification Sherloc (09022015). Collection method: clinical testing. Allele origin: germline.
Comment: A gross deletion of the genomic region encompassing the full coding sequence of the CYBB gene has been identified. The boundaries of this event are unknown as the deletion extends beyond the assayed region for this gene and therefore may encompass additional genes. Similar gross deletions have been reported in the literature in individuals with CYBB-related disease (PMID: 27701760, 22929960). Loss-of-function variants in CYBB are known to be pathogenic (PMID: 9585602, 20729109). For these reasons, this variant has been classified as Pathogenic.

Literature cited by the submitters: PubMed 22929960; PubMed 27701760.